The following is an entry in ClinVar:

NM_001148.6(ANK2):c.7205T>G (p.Val2402Gly)

Genes: ANK2 (ankyrin 2; plus strand), LOC126807137 (CDK7 strongly-dependent group 2 enhancer GRCh37_chr4:114276560-114277759; plus strand). Cytogenetic location: 4q26.
Variant type: single nucleotide variant.
Coding change: c.7205T>G on transcript NM_001148.6 (MANE Select); coding-DNA position 7205, T replaced by G.
Protein change: p.Val2402Gly; replaces valine 2402 with glycine.
Molecular consequence: missense variant. On other transcripts: intron variant (68).
Genome position (GRCh38, 1-based): chr4:113,355,823, T>G. VCF-style: chr4-113355823-T-G. GRCh37 (hg19) VCF-style: chr4-114276979-T-G.
Other names: c.6971T>G, p.Val2324Gly (NM_001386142.1); c.3605T>G, p.Val1202Gly (NM_001386166.1); c.7346T>G, p.Val2449Gly (NM_001386174.1); c.7322T>G, p.Val2441Gly (NM_001386175.1); c.4412-5000T>G (NM_001386186.2, NM_001386148.2); c.4214-5000T>G (NM_001354269.3); c.4292-5000T>G (NM_001386187.2); c.4253-5000T>G (NM_001386147.1); and 35 more; short protein forms V1202G, V2449G, V2324G, V2402G, V2441G.
Identifiers: ClinVar variation 2450644 (VCV002450644.2), dbSNP rs199473345, ClinGen allele CA357929845.

ClinVar aggregate classification (germline): Uncertain significance (1 of 4 stars; one submission).

Conditions:
Cardiovascular phenotype. Identifiers: MedGen CN230736.

Submission:

Ambry Genetics
Classification: Uncertain significance for Cardiovascular phenotype. Last evaluated: 2023-01-16. Review status: criteria provided, single submitter. Criteria: Ambry Variant Classification Scheme 2023. Collection method: clinical testing. Allele origin: germline.
Comment: The p.V2402G variant (also known as c.7205T>G), located in coding exon 38 of the ANK2 gene, results from a T to G substitution at nucleotide position 7205. The valine at codon 2402 is replaced by glycine, an amino acid with dissimilar properties. This amino acid position is conserved. In addition, this alteration is predicted to be tolerated by in silico analysis. Since supporting evidence is limited at this time, the clinical significance of this alteration remains unclear.